The following is an entry in ClinVar:

NM_001128228.3(TPRN):c.15G>C (p.Gly5=)

Genes: TPRN (taperin; minus strand), LOC130003093 (ATAC-STARR-seq lymphoblastoid silent region 20590; plus strand). Cytogenetic location: 9q34.3.
Variant type: single nucleotide variant.
Coding change: c.15G>C on transcript NM_001128228.3 (MANE Select); coding-DNA position 15, G replaced by C.
Protein change: p.Gly5=; no amino-acid change (glycine 5 retained).
Molecular consequence: synonymous variant.
Genome position (GRCh38, 1-based): chr9:137,200,697, C>G on the plus strand (G>C on the coding strand, the complement: TPRN is on the minus strand). VCF-style: chr9-137200697-C-G. GRCh37 (hg19) VCF-style: chr9-140095149-C-G.
Identifiers: ClinVar variation 2915764 (VCV002915764.8), dbSNP rs547913294, ClinGen allele CA5362898.

ClinVar aggregate classification (germline): Benign/Likely benign. Review status: criteria provided, multiple submitters, no conflicts (2 of 4 stars). 3 submissions from 3 submitters: Benign (1); Likely benign (2). Last evaluated 2026-02-01.

Allele frequency attached by ClinVar (database versions not stated): gnomAD exomes 0.00001; gnomAD 0.00010; TOPMed 0.00011; 1000 Genomes Project 0.00020; ExAC 0.00025; 1000 Genomes Project 30x 0.00031.
gnomAD v4.1: 24 of 1,198,626 alleles (0.002%); highest among the groups gnomAD compares: East Asian, 0.11%; no homozygotes.

Submissions (3):

CeGaT Center for Human Genetics Tuebingen
Classification: Likely benign. Last evaluated: 2026-02-01. Review status: criteria provided, single submitter. Criteria: CeGaT Center For Human Genetics Tuebingen Variant Classification Criteria Version 2. Collection method: clinical testing. Allele origin: germline. Affected: yes. Observed: 1 variant allele.
Comment: TPRN: BP4, BP7

Labcorp Genetics (formerly Invitae), Labcorp
Classification: Benign. Last evaluated: 2025-05-23. Review status: criteria provided, single submitter. Criteria: Invitae Variant Classification Sherloc (09022015). Collection method: clinical testing. Allele origin: germline.

Blueprint Genetics
Classification: Likely benign. Last evaluated: 2024-06-07. Review status: criteria provided, single submitter. Criteria: ACMG Guidelines, 2015. Collection method: clinical testing. Allele origin: germline.